The following is an entry in ClinVar:

ClinVar aggregate classification (germline): Uncertain significance (1 of 4 stars; one submission).

Conditions:
Mild intellectual disability. Identifiers: MedGen C0026106, HP:0001256.

Submission:

Medical Genetics Lab, Policlinico S. Orsola.Malpighi
Classification: Uncertain significance for Mild intellectual disability. Last evaluated: 2019-02-19. Review status: criteria provided, single submitter. Criteria: ACMG CNV Guidelines, 2011. Collection method: clinical testing. Allele origin: de novo. Inheritance: Sporadic. Affected: yes.
Comment: This is a very rare, de novo CNV. The proximal break point involves ANKRD11, but the phenotype of the patient is not strongly suggestive for KBG syndrome.

NCBI36/hg18 16q24.3(chr16:87891000-88572000)

Variant type: copy number gain.
Identifiers: ClinVar variation 619083 (VCV000619083.2).